The following is an entry in ClinVar:

ClinVar aggregate classification (germline): Uncertain significance (1 of 4 stars; one submission).

Conditions:
L-2-hydroxyglutaric aciduria (L2HGA). Identifiers: Orphanet 79314, MedGen C1855995, MONDO:0009370, OMIM 236792, HP:0040144.

Allele frequency attached by ClinVar (database versions not stated): gnomAD exomes 0.00001; gnomAD 0.00010; TOPMed 0.00010.
gnomAD v4.1: 35 of 1,587,110 alleles (0.0022%); highest among the groups gnomAD compares: Admixed American, 0.057%; no homozygotes.

Submission:

Labcorp Genetics (formerly Invitae), Labcorp
Classification: Uncertain significance for L-2-hydroxyglutaric aciduria. Last evaluated: 2022-06-07. Review status: criteria provided, single submitter. Criteria: Invitae Variant Classification Sherloc (09022015). Collection method: clinical testing. Allele origin: germline.
Comment: This sequence change falls in intron 2 of the L2HGDH gene. It does not directly change the encoded amino acid sequence of the L2HGDH protein. It affects a nucleotide within the consensus splice site. This variant is present in population databases (no rsID available, gnomAD 0.06%). This variant has not been reported in the literature in individuals affected with L2HGDH-related conditions. Variants that disrupt the consensus splice site are a relatively common cause of aberrant splicing (PMID: 17576681, 9536098). Algorithms developed to predict the effect of sequence changes on RNA splicing suggest that this variant is not likely to affect RNA splicing. In summary, the available evidence is currently insufficient to determine the role of this variant in disease. Therefore, it has been classified as a Variant of Uncertain Significance.

Literature cited by the submitters: PubMed 17576681; PubMed 9536098.

NM_024884.3(L2HGDH):c.256+3A>G

Gene: L2HGDH (L-2-hydroxyglutarate dehydrogenase; minus strand). Cytogenetic location: 14q21.3.
Variant type: single nucleotide variant.
Coding change: c.256+3A>G on transcript NM_024884.3 (MANE Select); 3 bases into the intron after coding-DNA position 256, A replaced by G.
Molecular consequence: intron variant.
Genome position (GRCh38, 1-based): chr14:50,302,899, T>C on the plus strand (A>G on the coding strand, the complement: L2HGDH is on the minus strand). VCF-style: chr14-50302899-T-C. GRCh37 (hg19) VCF-style: chr14-50769617-T-C.
Identifiers: ClinVar variation 2413276 (VCV002413276.3), dbSNP rs1235257128, ClinGen allele CA613863870.